The following is an entry in ClinVar:

ClinVar aggregate classification (germline): Uncertain significance. Review status: criteria provided, multiple submitters, no conflicts (2 of 4 stars). 3 submissions from 3 submitters: Uncertain significance (2). 1 of the submissions does not count toward it. Last evaluated 2022-07-13.

Conditions:
Autosomal recessive limb-girdle muscular dystrophy type 2C (LGMDR5). Also called: MUSCULAR DYSTROPHY, DUCHENNE-LIKE; MUSCULAR DYSTROPHY, LIMB-GIRDLE, AUTOSOMAL RECESSIVE 5. Identifiers: Orphanet 353, MedGen C0410173, MONDO:0009677, OMIM 253700. Disease mechanism: Affects gamma-sarcoglycan and also disrupts the integrity of the entire sarcoglycan complex..

Allele frequency attached by ClinVar (database versions not stated): gnomAD 0.00001 and 0.00003; gnomAD exomes 0.00002 and 0.00006; TOPMed 0.00002; ExAC 0.00008; 1000 Genomes Project 0.00040; 1000 Genomes Project 30x 0.00047.
gnomAD v4.1: 27 of 1,612,942 alleles (0.0017%); highest among the groups gnomAD compares: Admixed American, 0.017%; no homozygotes.

Submissions (3):

Labcorp Genetics (formerly Invitae), Labcorp
Classification: Uncertain significance for Autosomal recessive limb-girdle muscular dystrophy type 2C. Last evaluated: 2022-07-13. Review status: criteria provided, single submitter. Criteria: Invitae Variant Classification Sherloc (09022015). Collection method: clinical testing. Allele origin: germline.
Comment: This sequence change replaces arginine, which is basic and polar, with cysteine, which is neutral and slightly polar, at codon 116 of the SGCG protein (p.Arg116Cys). This variant is present in population databases (rs191040430, gnomAD 0.03%). This variant has not been reported in the literature in individuals affected with SGCG-related conditions. ClinVar contains an entry for this variant (Variation ID: 530809). Algorithms developed to predict the effect of missense changes on protein structure and function are either unavailable or do not agree on the potential impact of this missense change (SIFT: "Deleterious"; PolyPhen-2: "Benign"; Align-GVGD: "Class C65"). In summary, the available evidence is currently insufficient to determine the role of this variant in disease. Therefore, it has been classified as a Variant of Uncertain Significance.

ARUP Laboratories, Molecular Genetics and Genomics, ARUP Laboratories
Classification: Uncertain significance for Autosomal recessive limb-girdle muscular dystrophy type 2C. Last evaluated: 2019-01-23. Review status: criteria provided, single submitter. Criteria: ARUP Molecular Germline Variant Investigation Process. Collection method: clinical testing. Allele origin: germline.
Comment: The SGCG c.346C>T; p.Arg116Cys variant (rs191040430), to our knowledge, is not reported in the medical literature but is reported in ClinVar (Variation ID: 530809). This variant is found in the Latino population with an overall allele frequency of 0.03% (11/35418 alleles) in the Genome Aggregation Database. The arginine at codon 116 is highly conserved, but computational analyses (SIFT: damaging, PolyPhen-2: benign) predict conflicting effects of this variant on protein structure/function. Due to limited information, the clinical significance of the p.Arg116Cys variant is uncertain at this time.

Natera, Inc.
Classification: Uncertain significance for Limb-girdle muscular dystrophy type 2C. Last evaluated: 2020-04-19. Review status: no assertion criteria provided. Collection method: clinical testing. Allele origin: germline. Not counted in ClinVar's aggregate classification.

NM_000231.3(SGCG):c.346C>T (p.Arg116Cys)

Gene: SGCG (sarcoglycan gamma; plus strand). Cytogenetic location: 13q12.12.
Variant type: single nucleotide variant.
Coding change: c.346C>T on transcript NM_000231.3 (MANE Select); coding-DNA position 346, C replaced by T.
Protein change: p.Arg116Cys; replaces arginine 116 with cysteine.
Molecular consequence: missense variant.
Genome position (GRCh38, 1-based): chr13:23,250,678, C>T. VCF-style: chr13-23250678-C-T. GRCh37 (hg19) VCF-style: chr13-23824817-C-T.
Other names: c.400C>T, p.Arg134Cys (NM_001378244.1); c.346C>T, p.Arg116Cys (NM_001378245.1, NM_001378246.1); short protein forms R116C, R134C.
Identifiers: ClinVar variation 530809 (VCV000530809.11), dbSNP rs191040430, ClinGen allele CA6909651.